The following is an entry in ClinVar:

ClinVar aggregate classification (germline): Uncertain significance (1 of 4 stars; one submission).

Allele frequency attached by ClinVar (database versions not stated): gnomAD exomes 0.00001 and 0.00002.
gnomAD v4.1: 23 of 1,612,912 alleles (0.0014%); highest among the groups gnomAD compares: Non-Finnish European, 0.0019%; no homozygotes.

Submission:

Labcorp Genetics (formerly Invitae), Labcorp
Classification: Uncertain significance. Last evaluated: 2022-02-09. Review status: criteria provided, single submitter. Criteria: Invitae Variant Classification Sherloc (09022015). Collection method: clinical testing. Allele origin: germline.
Comment: This sequence change replaces glycine, which is neutral and non-polar, with serine, which is neutral and polar, at codon 439 of the CNGB3 protein (p.Gly439Ser). This variant is present in population databases (rs201825105, gnomAD 0.003%). This variant has not been reported in the literature in individuals affected with CNGB3-related conditions. ClinVar contains an entry for this variant (Variation ID: 958895). Advanced modeling of protein sequence and biophysical properties (such as structural, functional, and spatial information, amino acid conservation, physicochemical variation, residue mobility, and thermodynamic stability) performed at Invitae indicates that this missense variant is expected to disrupt CNGB3 protein function. In summary, the available evidence is currently insufficient to determine the role of this variant in disease. Therefore, it has been classified as a Variant of Uncertain Significance.

NM_019098.5(CNGB3):c.1315G>A (p.Gly439Ser)

Gene: CNGB3 (cyclic nucleotide gated channel subunit beta 3; minus strand). Cytogenetic location: 8q21.3.
Variant type: single nucleotide variant.
Coding change: c.1315G>A on transcript NM_019098.5 (MANE Select); coding-DNA position 1315, G replaced by A.
Protein change: p.Gly439Ser; replaces glycine 439 with serine.
Molecular consequence: missense variant.
Genome position (GRCh38, 1-based): chr8:86,632,757, C>T on the plus strand (G>A on the coding strand, the complement: CNGB3 is on the minus strand). VCF-style: chr8-86632757-C-T. GRCh37 (hg19) VCF-style: chr8-87644985-C-T.
Other names: short protein forms G439S.
Identifiers: ClinVar variation 958895 (VCV000958895.7), dbSNP rs201825105, ClinGen allele CA180340713.